The following is an entry in ClinVar:

NM_005618.4(DLL1):c.622G>A (p.Gly208Arg)

Gene: DLL1 (delta like canonical Notch ligand 1; minus strand). Cytogenetic location: 6q27.
Variant type: single nucleotide variant.
Coding change: c.622G>A on transcript NM_005618.4 (MANE Select); coding-DNA position 622, G replaced by A.
Protein change: p.Gly208Arg; replaces glycine 208 with arginine.
Molecular consequence: missense variant.
Genome position (GRCh38, 1-based): chr6:170,288,287, C>T on the plus strand (G>A on the coding strand, the complement: DLL1 is on the minus strand). VCF-style: chr6-170288287-C-T. GRCh37 (hg19) VCF-style: chr6-170597375-C-T.
Other names: short protein forms G208R.
Identifiers: ClinVar variation 5017823 (VCV005017823.1).

ClinVar aggregate classification (germline): Uncertain significance (1 of 4 stars; one submission).

Submission:

GeneDx
Classification: Uncertain significance. Last evaluated: 2026-03-28. Review status: criteria provided, single submitter. Criteria: GeneDx Variant Classification Process June 2021. Collection method: clinical testing. Allele origin: germline.
Comment: Not observed at significant frequency in large population cohorts (gnomAD); In silico analysis supports that this missense variant has a deleterious effect on protein structure/function; Has not been previously published as pathogenic or benign to our knowledge